The following is an entry in ClinVar:

NM_000051.4(ATM):c.3153+2T>C

Gene: ATM (ATM serine/threonine kinase; plus strand). Cytogenetic location: 11q22.3.
Variant type: single nucleotide variant.
Coding change: c.3153+2T>C on transcript NM_000051.4 (MANE Select); the canonical splice donor site of the intron after coding-DNA position 3153, T replaced by C.
Molecular consequence: splice donor variant.
Genome position (GRCh38, 1-based): chr11:108,272,609, T>C. VCF-style: chr11-108272609-T-C. GRCh37 (hg19) VCF-style: chr11-108143336-T-C.
Other names: c.3153+2T>C (NM_001351834.2).
Identifiers: ClinVar variation 1518811 (VCV001518811.8), dbSNP rs2135566959, ClinGen allele CA382515419.

ClinVar aggregate classification (germline): Likely pathogenic (1 of 4 stars; one submission).

Conditions:
Ataxia-telangiectasia syndrome (AT). Also called: Cerebello-oculocutaneous telangiectasia; Immunodeficiency with ataxia telangiectasia; ATAXIA-TELANGIECTASIA, COMPLEMENTATION GROUP A; ATAXIA-TELANGIECTASIA, FRESNO VARIANT; Ataxia-telangiectasia, complementation group E; LOUIS-BAR SYNDROME. Identifiers: Orphanet 100, MedGen C0004135, MONDO:0008840, OMIM 208900.

Submission:

Labcorp Genetics (formerly Invitae), Labcorp
Classification: Likely pathogenic for Ataxia-telangiectasia syndrome. Last evaluated: 2021-06-08. Review status: criteria provided, single submitter. Criteria: Invitae Variant Classification Sherloc (09022015). Collection method: clinical testing. Allele origin: germline.
Comment: This sequence change affects a donor splice site in intron 21 of the ATM gene. It is expected to disrupt RNA splicing. Variants that disrupt the donor or acceptor splice site typically lead to a loss of protein function (PMID: 16199547), and loss-of-function variants in ATM are known to be pathogenic (PMID: 23807571, 25614872). This variant is not present in population databases (ExAC no frequency). This variant has not been reported in the literature in individuals with ATM-related conditions. Algorithms developed to predict the effect of sequence changes on RNA splicing suggest that this variant may disrupt the consensus splice site, but this prediction has not been confirmed by published transcriptional studies. In summary, the currently available evidence indicates that the variant is pathogenic, but additional data are needed to prove that conclusively. Therefore, this variant has been classified as Likely Pathogenic.

Literature cited by the submitters: PubMed 16199547; PubMed 23807571; PubMed 25614872.